The following is an entry in ClinVar:

NM_000368.5(TSC1):c.2227C>T (p.Gln743Ter)

Gene: TSC1 (TSC complex subunit 1; minus strand). Cytogenetic location: 9q34.13.
Variant type: single nucleotide variant.
Coding change: c.2227C>T on transcript NM_000368.5 (MANE Select); coding-DNA position 2227, C replaced by T.
Protein change: p.Gln743Ter; replaces glutamine 743 with a stop codon.
Molecular consequence: nonsense.
Genome position (GRCh38, 1-based): chr9:132,902,769, G>A on the plus strand (C>T on the coding strand, the complement: TSC1 is on the minus strand). VCF-style: chr9-132902769-G-A. GRCh37 (hg19) VCF-style: chr9-135778156-G-A.
Other names: p.Gln743*; c.2224C>T, p.Gln742Ter (NM_001162426.2); c.2074C>T, p.Gln692Ter (NM_001162427.2); c.1864C>T, p.Gln622Ter (NM_001362177.2); short protein forms Q743*, Q622*, Q692*, Q742*.
Identifiers: ClinVar variation 48921 (VCV000048921.19), dbSNP rs118203661, ClinGen allele CA006160.

ClinVar aggregate classification (germline): Pathogenic. Review status: criteria provided, multiple submitters, no conflicts (2 of 4 stars). 10 submissions from 10 submitters: Pathogenic (7). 3 of the submissions do not count toward it. Last evaluated 2026-01-24.

Conditions:
Malignant tumor of urinary bladder. Also called: Bladder cancer; Urinary bladder cancer; Urinary Bladder Neoplasms. Identifiers: MedGen C0005684, MONDO:0001187, OMIM 109800.
Tuberous sclerosis 1 (TSC1). Identifiers: Orphanet 805, MedGen C1854465, MONDO:0008612, OMIM 191100.
Hereditary cancer-predisposing syndrome. Also called: Neoplastic Syndromes, Hereditary; Tumor predisposition; Hereditary Cancer Syndrome; Hereditary neoplastic syndrome. Identifiers: Orphanet 140162, MedGen C0027672, MeSH D009386, MONDO:0015356.
Tuberous sclerosis syndrome (TSC). Also called: Tuberous Sclerosis Complex; Tuberous sclerosis. Identifiers: Orphanet 805, MedGen C0041341, MONDO:0001734.

Submissions (10):

Labcorp Genetics (formerly Invitae), Labcorp
Classification: Pathogenic for Tuberous sclerosis 1. Last evaluated: 2026-01-24. Review status: criteria provided, single submitter. Criteria: Invitae Variant Classification Sherloc (09022015). Collection method: clinical testing. Allele origin: germline.
Comment: This sequence change creates a premature translational stop signal (p.Gln743*) in the TSC1 gene. It is expected to result in an absent or disrupted protein product. Loss-of-function variants in TSC1 are known to be pathogenic (PMID: 10227394, 17304050). This variant is not present in population databases (gnomAD no frequency). This premature translational stop signal has been observed in individuals with tuberous sclerosis complex (PMID: 9924605, 10533069, 28065512). Invitae Evidence Modeling of clinical and family history, age, sex, and reported ancestry of multiple individuals with this TSC1 variant has been performed. This variant is expected to be pathogenic with a positive predictive value of at least 99%. This is a validated machine learning model that incorporates the clinical features of 1,224,362 individuals referred to our laboratory for TSC1 testing. ClinVar contains an entry for this variant (Variation ID: 48921). For these reasons, this variant has been classified as Pathogenic.

Mayo Clinic Laboratories, Mayo Clinic
Classification: Pathogenic. Last evaluated: 2025-11-20. Review status: criteria provided, single submitter. Criteria: ACMG Guidelines, 2015. Collection method: clinical testing. Allele origin: germline. Observed: 1 variant allele.
Comment: PP4, PM2_supporting, PS4_moderate, PVS1

Ambry Genetics
Classification: Pathogenic for Hereditary cancer-predisposing syndrome. Last evaluated: 2025-09-24. Review status: criteria provided, single submitter. Criteria: Ambry Variant Classification Scheme 2023. Collection method: clinical testing. Allele origin: germline.
Comment: The p.Q743* pathogenic mutation (also known as c.2227C>T), located in coding exon 16 of the TSC1 gene, results from a C to T substitution at nucleotide position 2227. This changes the amino acid from a glutamine to a stop codon within coding exon 16. This variant was reported in individual(s) with features consistent with tuberous sclerosis complex (Wang X et al. Front Med (Lausanne), 2022 May;9:840709). This variant is considered to be rare based on population cohorts in the Genome Aggregation Database (gnomAD). This alteration is expected to result in loss of function by premature protein truncation or nonsense-mediated mRNA decay. As such, this alteration is interpreted as a disease-causing mutation.

GeneDx
Classification: Pathogenic. Last evaluated: 2023-11-10. Review status: criteria provided, single submitter. Criteria: GeneDx Variant Classification Process June 2021. Collection method: clinical testing. Allele origin: germline. Affected: yes.
Comment: Nonsense variant predicted to result in protein truncation or nonsense mediated decay in a gene for which loss of function is a known mechanism of disease; Not observed at significant frequency in large population cohorts (gnomAD); This variant is associated with the following publications: (PMID: 25525159, 9924605, 11112665, 10533069, 15798777, 29101226, 37141891, 31160751, 28065512, 10363127, 30036593, 32313033, 35712104, 35638823, 32917966, Isik_2021, 9242607)

KCCC/NGS Laboratory, Kuwait Cancer Control Center
Classification: Pathogenic for Tuberous sclerosis 1. Last evaluated: 2023-09-17. Review status: criteria provided, single submitter. Criteria: ACMG Guidelines, 2015. Collection method: clinical testing. Allele origin: germline. Inheritance: Autosomal dominant inheritance. Affected: yes. Observed: 1 heterozygote.
Comment: This sequence change creates a premature translational stop signal (p.Gln743*) in the TSC1 gene. It is expected to result in an absent or disrupted protein product. Loss-of-function variants in TSC1 are known to be pathogenic (PMID: 10227394, 17304050). This variant is not present in population databases (gnomAD no frequency). This premature translational stop signal has been observed in individuals with tuberous sclerosis complex (PMID: 9924605, 10533069, 28065512). ClinVar contains an entry for this variant (Variation ID: 48921) classified as pathogenic. For these reasons, this variant has been classified as Pathogenic.

Athena Diagnostics
Classification: Pathogenic. Last evaluated: 2022-08-17. Review status: criteria provided, single submitter. Criteria: Athena Diagnostics Criteria. Collection method: clinical testing. Allele origin: unknown.
Comment: This variant is expected to result in the loss of a functional protein. This variant has been identified in at least one individual with clinical features associated with this gene. This variant has not been reported in large, multi-ethnic general populations.

Genome-Nilou Lab
Classification: Pathogenic for Tuberous sclerosis 1. Last evaluated: 2021-11-07. Review status: criteria provided, single submitter. Criteria: ACMG Guidelines, 2015. Collection method: clinical testing. Allele origin: germline. Affected: no.

Division of Genomic Medicine, Department of Advanced Medicine, Medical Research Institute, Kanazawa Medical University
Classification: Pathogenic for Tuberous sclerosis 1. Last evaluated: 2020-06-09. Review status: no assertion criteria provided. Collection method: clinical testing. Allele origin: germline. Affected: yes. Observed: 1 variant allele. Not counted in ClinVar's aggregate classification.

Laboratory of Urology, Hospital Clinic de Barcelona
Classification: Pathogenic for Malignant tumor of urinary bladder. Review status: no assertion criteria provided. Collection method: research. Allele origin: somatic. Affected: yes. Not counted in ClinVar's aggregate classification.

Tuberous sclerosis database (TSC1)
No classification provided. Condition: TSC. Review status: no classification provided. Criteria: Tuberous Sclerosis Database Assertion Criteria 2015. Collection method: curation. Allele origin: germline. Affected: yes. Not counted in ClinVar's aggregate classification.

Literature cited by the submitters: PubMed 10227394 (cited by Labcorp Genetics (formerly Invitae), Labcorp); PubMed 17304050 (cited by Labcorp Genetics (formerly Invitae), Labcorp); PubMed 9924605 (cited by Labcorp Genetics (formerly Invitae), Labcorp and Athena Diagnostics); PubMed 10533069 (cited by Labcorp Genetics (formerly Invitae), Labcorp and Athena Diagnostics); PubMed 28065512 (cited by Labcorp Genetics (formerly Invitae), Labcorp); PubMed 32313033 (cited by Mayo Clinic Laboratories, Mayo Clinic); PubMed 35712104 (cited by Mayo Clinic Laboratories, Mayo Clinic and Ambry Genetics); PubMed 36232477 (cited by Mayo Clinic Laboratories, Mayo Clinic); PubMed 9242607 (cited by Mayo Clinic Laboratories, Mayo Clinic and Athena Diagnostics); PubMed 11112665 (cited by Athena Diagnostics); PubMed 10363127 (cited by Athena Diagnostics).